The following is an entry in ClinVar:

NM_001282225.2(ADA2):c.988A>G (p.Thr330Ala)

Gene: ADA2 (adenosine deaminase 2; minus strand). Cytogenetic location: 22q11.1.
Variant type: single nucleotide variant.
Coding change: c.988A>G on transcript NM_001282225.2 (MANE Select); coding-DNA position 988, A replaced by G.
Protein change: p.Thr330Ala; replaces threonine 330 with alanine.
Molecular consequence: missense variant.
Genome position (GRCh38, 1-based): chr22:17,188,432, T>C on the plus strand (A>G on the coding strand, the complement: ADA2 is on the minus strand). VCF-style: chr22-17188432-T-C. GRCh37 (hg19) VCF-style: chr22-17669322-T-C.
Other names: c.265A>G, p.Thr89Ala (NM_177405.3); c.988A>G, p.Thr330Ala (NM_001282226.2); c.862A>G, p.Thr288Ala (NM_001282227.2, NM_001282228.2); c.628A>G, p.Thr210Ala (NM_001282229.2); short protein forms T210A, T288A, T330A, T89A.
Identifiers: ClinVar variation 2577717 (VCV002577717.2), dbSNP rs1299288658, ClinGen allele CA410233520.

ClinVar aggregate classification (germline): Uncertain significance. Review status: criteria provided, multiple submitters, no conflicts (2 of 4 stars). 2 submissions from 2 submitters: Uncertain significance (2). Last evaluated 2024-04-25.

Conditions:
Deficiency of adenosine deaminase 2. Also called: Polyarteritis nodosa, childhoood-onset; Adenosine Deaminase 2 Deficiency; VASCULITIS, AUTOINFLAMMATION, IMMUNODEFICIENCY, AND HEMATOLOGIC DEFECTS SYNDROME. Identifiers: Orphanet 404553, MedGen C3887654, MONDO:0014306, OMIM 615688, MONDO:0100317.
Sneddon syndrome (SNDNS). Also called: LIVEDO RETICULARIS AND CEREBROVASCULAR ACCIDENTS; Idiopathic livedo reticularis with systemic involvement. Identifiers: Orphanet 820, MedGen C0282492, MONDO:0008436, OMIM 182410.

Submissions (2):

Fulgent Genetics
Classification: Uncertain significance for Sneddon syndrome; Deficiency of adenosine deaminase 2. Last evaluated: 2024-04-25. Review status: criteria provided, single submitter. Criteria: ACMG Guidelines, 2015. Collection method: clinical testing. Allele origin: germline.

GeneDx
Classification: Uncertain significance. Last evaluated: 2023-02-22. Review status: criteria provided, single submitter. Criteria: GeneDx Variant Classification Process June 2021. Collection method: clinical testing. Allele origin: germline. Affected: yes.
Comment: Not observed at significant frequency in large population cohorts (gnomAD); In silico analysis supports that this missense variant does not alter protein structure/function; Has not been previously published as pathogenic or benign to our knowledge